The following is an entry in ClinVar:

ClinVar aggregate classification (germline): Pathogenic (1 of 4 stars; one submission).

Submission:

Labcorp Genetics (formerly Invitae), Labcorp
Classification: Pathogenic. Last evaluated: 2022-07-30. Review status: criteria provided, single submitter. Criteria: Invitae Variant Classification Sherloc (09022015). Collection method: clinical testing. Allele origin: germline.
Comment: For these reasons, this variant has been classified as Pathogenic. This variant has not been reported in the literature in individuals affected with LOX-related conditions. This variant is not present in population databases (gnomAD no frequency). This sequence change creates a premature translational stop signal (p.Gln223Argfs*14) in the LOX gene. It is expected to result in an absent or disrupted protein product. Loss-of-function variants in LOX are known to be pathogenic (PMID: 12417550, 26838787, 27432961).

Literature cited by the submitters: PubMed 12417550; PubMed 26838787; PubMed 27432961.

NM_002317.7(LOX):c.667del (p.Gln223fs)

Genes: LOX (lysyl oxidase; minus strand), SRFBP1 (serum response factor binding protein 1; plus strand). Cytogenetic location: 5q23.1.
Variant type: Deletion.
Coding change: c.667del on transcript NM_002317.7 (MANE Select); coding-DNA position 667, one base deleted (C; older notation c.667delC).
Protein change: p.Gln223fs; shifts the reading frame from glutamine 223.
Molecular consequence: frameshift variant. On other transcripts: 5 prime UTR variant (1), intron variant (1).
Genome position (GRCh38, 1-based): chr5:122,076,966, G deleted on the plus strand (C on the coding strand, the reverse complement: LOX is on the minus strand); the first of 2 consecutive G bases (chr5:122,076,966-122,076,967); deleting either gives the same sequence. VCF-style (leftmost placement, unchanged base first): chr5-122076965-TG-T. GRCh37 (hg19) VCF-style: chr5-121412660-TG-T.
Other names: c.-24del (NM_001178102.2); c.-152+126del (NM_001317073.1); short protein forms Q223fs.
Identifiers: ClinVar variation 2020787 (VCV002020787.4), dbSNP rs2532914954, ClinGen allele CA2580072435.